The following is an entry in ClinVar:

NM_001134407.3(GRIN2A):c.56G>C (p.Arg19Pro)

Gene: GRIN2A (glutamate ionotropic receptor NMDA type subunit 2A; minus strand). Cytogenetic location: 16p13.2.
Variant type: single nucleotide variant.
Coding change: c.56G>C on transcript NM_001134407.3 (MANE Select); coding-DNA position 56, G replaced by C.
Protein change: p.Arg19Pro; replaces arginine 19 with proline.
Molecular consequence: missense variant.
Genome position (GRCh38, 1-based): chr16:10,180,356, C>G on the plus strand (G>C on the coding strand, the complement: GRIN2A is on the minus strand). VCF-style: chr16-10180356-C-G. GRCh37 (hg19) VCF-style: chr16-10274213-C-G.
Other names: c.56G>C, p.Arg19Pro (NM_000833.5, NM_001134408.2); short protein forms R19P.
Identifiers: ClinVar variation 2695170 (VCV002695170.3), dbSNP rs1302734897, ClinGen allele CA394715812.

ClinVar aggregate classification (germline): Uncertain significance (1 of 4 stars; one submission).

Conditions:
Landau-Kleffner syndrome (FESD). Also called: APHASIA, ACQUIRED, WITH EPILEPSY; EPILEPSY, FOCAL, WITH SPEECH DISORDER AND WITH OR WITHOUT MENTAL RETARDATION. Identifiers: Orphanet 1945, Orphanet 725, Orphanet 98818, MedGen C0282512, MONDO:0009509, OMIM 245570.

Submission:

Labcorp Genetics (formerly Invitae), Labcorp
Classification: Uncertain significance for Landau-Kleffner syndrome. Last evaluated: 2023-11-11. Review status: criteria provided, single submitter. Criteria: Invitae Variant Classification Sherloc (09022015). Collection method: clinical testing. Allele origin: germline.
Comment: This sequence change replaces arginine, which is basic and polar, with proline, which is neutral and non-polar, at codon 19 of the GRIN2A protein (p.Arg19Pro). This variant is not present in population databases (gnomAD no frequency). This variant has not been reported in the literature in individuals affected with GRIN2A-related conditions. Advanced modeling of protein sequence and biophysical properties (such as structural, functional, and spatial information, amino acid conservation, physicochemical variation, residue mobility, and thermodynamic stability) performed at Invitae indicates that this missense variant is not expected to disrupt GRIN2A protein function with a negative predictive value of 95%. In summary, the available evidence is currently insufficient to determine the role of this variant in disease. Therefore, it has been classified as a Variant of Uncertain Significance.